The following is an entry in ClinVar:

NM_001352754.2(ARMC9):c.1337G>A (p.Arg446His)

Gene: ARMC9 (armadillo repeat containing 9; plus strand). Cytogenetic location: 2q37.1.
Variant type: single nucleotide variant.
Coding change: c.1337G>A on transcript NM_001352754.2 (MANE Select); coding-DNA position 1337, G replaced by A.
Protein change: p.Arg446His; replaces arginine 446 with histidine.
Molecular consequence: missense variant. On other transcripts: non-coding transcript variant (1).
Genome position (GRCh38, 1-based): chr2:231,276,638, G>A. VCF-style: chr2-231276638-G-A. GRCh37 (hg19) VCF-style: chr2-232141351-G-A.
Other names: c.1238G>A, p.Arg413His (NM_001352757.2, NM_001352758.2); c.1337G>A, p.Arg446His (NM_001352759.2, NM_025139.6, NM_001271466.4 and 3 more transcripts); short protein forms R413H, R446H.
Identifiers: ClinVar variation 2896263 (VCV002896263.3), dbSNP rs754901782, ClinGen allele CA2160302.

ClinVar aggregate classification (germline): Uncertain significance (1 of 4 stars; one submission).

Allele frequency attached by ClinVar (database versions not stated): TOPMed below 0.00001; gnomAD 0.00001; ExAC 0.00002.
gnomAD v4.1: 17 of 1,613,914 alleles (0.0011%); highest among the groups gnomAD compares: Admixed American, 0.0033%; no homozygotes.

Submission:

Labcorp Genetics (formerly Invitae), Labcorp
Classification: Uncertain significance. Last evaluated: 2023-04-29. Review status: criteria provided, single submitter. Criteria: Invitae Variant Classification Sherloc (09022015). Collection method: clinical testing. Allele origin: germline.
Comment: In summary, the available evidence is currently insufficient to determine the role of this variant in disease. Therefore, it has been classified as a Variant of Uncertain Significance. Experimental studies and prediction algorithms are not available or were not evaluated, and the functional significance of this variant is currently unknown. This variant has not been reported in the literature in individuals affected with ARMC9-related conditions. This variant is present in population databases (rs754901782, gnomAD 0.006%). This sequence change replaces arginine, which is basic and polar, with histidine, which is basic and polar, at codon 446 of the ARMC9 protein (p.Arg446His).